The following is an entry in ClinVar:

ClinVar aggregate classification (germline): Likely benign (1 of 4 stars; one submission).

Conditions:
PKD1L1-related disorder. Also called: PKD1L1-related condition.

Submission:

PreventionGenetics, part of Exact Sciences
Classification: Likely benign for PKD1L1-related condition. Last evaluated: 2023-12-19. Review status: criteria provided, single submitter. Criteria: ACMG Guidelines, 2015. Collection method: clinical testing. Allele origin: germline.
Comment: This variant is classified as likely benign based on ACMG/AMP sequence variant interpretation guidelines (Richards et al. 2015 PMID: 25741868, with internal and published modifications).

NM_138295.5(PKD1L1):c.6564C>T (p.Cys2188=)

Gene: PKD1L1 (polycystin 1 like 1, transient receptor potential channel interacting; minus strand). Cytogenetic location: 7p12.3.
Variant type: single nucleotide variant.
Coding change: c.6564C>T on transcript NM_138295.5 (MANE Select); coding-DNA position 6564, C replaced by T.
Protein change: p.Cys2188=; no amino-acid change (cysteine 2188 retained).
Molecular consequence: synonymous variant.
Genome position (GRCh38, 1-based): chr7:47,829,596, G>A on the plus strand (C>T on the coding strand, the complement: PKD1L1 is on the minus strand). VCF-style: chr7-47829596-G-A. GRCh37 (hg19) VCF-style: chr7-47869194-G-A.
Identifiers: ClinVar variation 3028941 (VCV003028941.1), dbSNP rs2483926177, ClinGen allele CA454917128.